The following is an entry in ClinVar:

NM_000497.4(CYP11B1):c.546dup (p.Ser183fs)

Genes: CYP11B1 (cytochrome P450 family 11 subfamily B member 1; minus strand), LOC106799833 (CYP11B1 recombination region; plus strand). Cytogenetic location: 8q24.3.
Variant type: Duplication.
Coding change: c.546dup on transcript NM_000497.4 (MANE Select); coding-DNA position 546, one base duplicated (G; older notation c.546dupG).
Protein change: p.Ser183fs; shifts the reading frame from serine 183.
Molecular consequence: frameshift variant.
Genome position (GRCh38, 1-based): chr8:142,877,072, C duplicated on the plus strand (G on the coding strand, the reverse complement: CYP11B1 is on the minus strand); the first of 5 consecutive C bases (chr8:142,877,072-142,877,076); duplicating any one gives the same sequence. VCF-style (leftmost placement, unchanged base first): chr8-142877071-T-TC. GRCh37 (hg19) VCF-style: chr8-143958487-T-TC.
Other names: c.546dup, p.Ser183fs (NM_001026213.1); short protein forms S183fs.
Identifiers: ClinVar variation 1455339 (VCV001455339.6), dbSNP rs773841889, ClinGen allele CA4905407.

ClinVar aggregate classification (germline): Pathogenic (1 of 4 stars; one submission).

Submission:

Labcorp Genetics (formerly Invitae), Labcorp
Classification: Pathogenic. Last evaluated: 2021-08-12. Review status: criteria provided, single submitter. Criteria: Invitae Variant Classification Sherloc (09022015). Collection method: clinical testing. Allele origin: germline.
Comment: This variant has not been reported in the literature in individuals affected with CYP11B1-related conditions. The frequency data for this variant in the population databases is considered unreliable, as metrics indicate poor data quality at this position in the ExAC database. This sequence change creates a premature translational stop signal (p.Ser183Glufs*76) in the CYP11B1 gene. It is expected to result in an absent or disrupted protein product. Loss-of-function variants in CYP11B1 are known to be pathogenic (PMID: 8506298, 26476331). For these reasons, this variant has been classified as Pathogenic.

Literature cited by the submitters: PubMed 8506298; PubMed 26476331.